The following is an entry in ClinVar:

NM_173354.5(SIK1):c.1922C>T (p.Ala641Val)

Gene: SIK1 (salt inducible kinase 1; minus strand). Cytogenetic location: 21q22.3.
Variant type: single nucleotide variant.
Coding change: c.1922C>T on transcript NM_173354.5 (MANE Select); coding-DNA position 1922, C replaced by T.
Protein change: p.Ala641Val; replaces alanine 641 with valine.
Molecular consequence: missense variant.
Genome position (GRCh38, 1-based): chr21:43,417,597, G>A on the plus strand (C>T on the coding strand, the complement: SIK1 is on the minus strand). VCF-style: chr21-43417597-G-A. GRCh37 (hg19) VCF-style: chr21-44837477-G-A.
Other names: short protein forms A641V.
Identifiers: ClinVar variation 2416223 (VCV002416223.8), dbSNP rs2081037659, ClinGen allele CA410607033.

ClinVar aggregate classification (germline): Uncertain significance (1 of 4 stars; one submission).

Conditions:
Developmental and epileptic encephalopathy, 30 (DEE30). Also called: Epileptic encephalopathy, early infantile, 30. Identifiers: MedGen C4225360, MONDO:0014595, OMIM 616341.

Submission:

Labcorp Genetics (formerly Invitae), Labcorp
Classification: Uncertain significance for Developmental and epileptic encephalopathy, 30. Last evaluated: 2022-07-26. Review status: criteria provided, single submitter. Criteria: Invitae Variant Classification Sherloc (09022015). Collection method: clinical testing. Allele origin: germline.
Comment: In summary, the available evidence is currently insufficient to determine the role of this variant in disease. Therefore, it has been classified as a Variant of Uncertain Significance. Advanced modeling of protein sequence and biophysical properties (such as structural, functional, and spatial information, amino acid conservation, physicochemical variation, residue mobility, and thermodynamic stability) performed at Invitae indicates that this missense variant is not expected to disrupt SIK1 protein function. This variant has not been reported in the literature in individuals affected with SIK1-related conditions. This variant is not present in population databases (gnomAD no frequency). This sequence change replaces alanine, which is neutral and non-polar, with valine, which is neutral and non-polar, at codon 641 of the SIK1 protein (p.Ala641Val).